The following is an entry in ClinVar:

ClinVar aggregate classification (germline): Likely pathogenic (1 of 4 stars; one submission).

gnomAD v4.1: 6 of 1,555,388 alleles (0.00039%); highest among the groups gnomAD compares: South Asian, 0.0023%; no homozygotes.

Submission:

Labcorp Genetics (formerly Invitae), Labcorp
Classification: Likely pathogenic. Last evaluated: 2024-12-10. Review status: criteria provided, single submitter. Criteria: Invitae Variant Classification Sherloc (09022015). Collection method: clinical testing. Allele origin: germline.
Comment: This sequence change affects a donor splice site in intron 7 of the PYROXD1 gene. It is expected to disrupt RNA splicing. Variants that disrupt the donor or acceptor splice site typically lead to a loss of protein function (PMID: 16199547), and loss-of-function variants in PYROXD1 are known to be pathogenic (PMID: 27745833). This variant is present in population databases (no rsID available, gnomAD 0.0009%). This variant has not been reported in the literature in individuals affected with PYROXD1-related conditions. Algorithms developed to predict the effect of sequence changes on RNA splicing suggest that this variant may disrupt the consensus splice site. In summary, the currently available evidence indicates that the variant is pathogenic, but additional data are needed to prove that conclusively. Therefore, this variant has been classified as Likely Pathogenic.

Literature cited by the submitters: PubMed 16199547; PubMed 27745833.

NM_024854.5(PYROXD1):c.750+1G>A

Gene: PYROXD1 (pyridine nucleotide-disulphide oxidoreductase domain 1; plus strand). Cytogenetic location: 12p12.1.
Variant type: single nucleotide variant.
Coding change: c.750+1G>A on transcript NM_024854.5 (MANE Select); the canonical splice donor site of the intron after coding-DNA position 750, G replaced by A.
Molecular consequence: splice donor variant.
Genome position (GRCh38, 1-based): chr12:21,456,096, G>A. VCF-style: chr12-21456096-G-A. GRCh37 (hg19) VCF-style: chr12-21609030-G-A.
Other names: c.-28+1G>A (NM_001350913.2); c.537+1G>A (NM_001350912.2).
Identifiers: ClinVar variation 3701999 (VCV003701999.2).